The following is an entry in ClinVar:

NM_002693.3(POLG):c.2569C>T (p.Pro857Ser)

Gene: POLG (DNA polymerase gamma, catalytic subunit; minus strand). Cytogenetic location: 15q26.1.
Variant type: single nucleotide variant.
Coding change: c.2569C>T on transcript NM_002693.3 (MANE Select); coding-DNA position 2569, C replaced by T.
Protein change: p.Pro857Ser; replaces proline 857 with serine.
Molecular consequence: missense variant.
Genome position (GRCh38, 1-based): chr15:89,321,765, G>A on the plus strand (C>T on the coding strand, the complement: POLG is on the minus strand). VCF-style: chr15-89321765-G-A. GRCh37 (hg19) VCF-style: chr15-89864996-G-A.
Other names: c.2569C>T, p.Pro857Ser (NM_001126131.2); short protein forms P857S.
Identifiers: ClinVar variation 3898070 (VCV003898070.7).
Genomic context (GRCh38, chr15:89,321,765, plus strand): 5'-AGCAGGGGCCAGAGGTACAGAGGTCACATACCCGGGCATTGCTGGCGGTGAGCCATGTGG[G>A]CTCCACAGCCCGGCGAGTGATGGTGCCGGCAGTCACCACTTGGGGCAGGATGGCCCCATA-3'
Protein context (NP_002684.1, residues 847-867): AGTITRRAVE[Pro857Ser]TWLTASNARP

ClinVar aggregate classification (germline): Uncertain significance (1 of 4 stars; one submission).

Submission:

CeGaT Center for Human Genetics Tuebingen
Classification: Uncertain significance. Last evaluated: 2025-04-01. Review status: criteria provided, single submitter. Criteria: CeGaT Center For Human Genetics Tuebingen Variant Classification Criteria Version 2. Collection method: clinical testing. Allele origin: germline. Affected: yes. Observed: 1 variant allele.
Comment: POLG: PM2, PP3